The following is an entry in ClinVar:

NM_000283.4(PDE6B):c.1781G>T (p.Gly594Val)

Gene: PDE6B (phosphodiesterase 6B; plus strand). Cytogenetic location: 4p16.3.
Variant type: single nucleotide variant.
Coding change: c.1781G>T on transcript NM_000283.4 (MANE Select); coding-DNA position 1781, G replaced by T.
Protein change: p.Gly594Val; replaces glycine 594 with valine.
Molecular consequence: missense variant.
Genome position (GRCh38, 1-based): chr4:662,567, G>T. VCF-style: chr4-662567-G-T. GRCh37 (hg19) VCF-style: chr4-656356-G-T.
Other names: c.1781G>T, p.Gly594Val (NM_001145291.2); c.944G>T, p.Gly315Val (NM_001145292.2, NM_001350154.3, NM_001379246.1 and 1 more transcripts); c.626G>T, p.Gly209Val (NM_001350155.3); short protein forms G594V, G209V, G315V.
Identifiers: ClinVar variation 194328 (VCV000194328.18), dbSNP rs766049601, ClinGen allele CA240231.

ClinVar aggregate classification (germline): Conflicting classifications of pathogenicity. Review status: criteria provided, conflicting classifications (1 of 4 stars). 4 submissions from 4 submitters: Likely pathogenic (1); Uncertain significance (3). Last evaluated 2024-10-23.

Conditions:
PDE6B-related disorder. Also called: PDE6B-related disease; PDE6B-related condition; PDE6B-related disorders.
Retinitis pigmentosa (RP). Identifiers: Orphanet 791, MedGen C0035334, MeSH D012174, MONDO:0019200, OMIM 268000. Inheritance: Autosomal dominant, autosomal recessive and X linked inheritance.

Allele frequency attached by ClinVar (database versions not stated): gnomAD exomes below 0.00001; TOPMed below 0.00001; ExAC 0.00001.

Submissions (4):

Labcorp Genetics (formerly Invitae), Labcorp
Classification: Uncertain significance. Last evaluated: 2024-10-23. Review status: criteria provided, single submitter. Criteria: Invitae Variant Classification Sherloc (09022015). Collection method: clinical testing. Allele origin: germline.
Comment: This sequence change replaces glycine, which is neutral and non-polar, with valine, which is neutral and non-polar, at codon 594 of the PDE6B protein (p.Gly594Val). This variant is present in population databases (rs766049601, gnomAD 0.0009%). This missense change has been observed in individual(s) with autosomal recessive inherited retinal dystrophy (PMID: 34906470). ClinVar contains an entry for this variant (Variation ID: 194328). Invitae Evidence Modeling of protein sequence and biophysical properties (such as structural, functional, and spatial information, amino acid conservation, physicochemical variation, residue mobility, and thermodynamic stability) has been performed for this missense variant. However, the output from this modeling did not meet the statistical confidence thresholds required to predict the impact of this variant on PDE6B protein function. In summary, the available evidence is currently insufficient to determine the role of this variant in disease. Therefore, it has been classified as a Variant of Uncertain Significance.

Broad Center for Mendelian Genomics, Broad Institute of MIT and Harvard
Classification: Uncertain significance for Retinitis pigmentosa. Last evaluated: 2021-04-01. Review status: criteria provided, single submitter. Criteria: ACMG Guidelines, 2015. Collection method: curation. Allele origin: germline. Inheritance: Autosomal recessive inheritance. Affected: yes.
Comment: Through a review of available evidence we were able to apply the following criteria: PM2, PP3. Based on this evidence we have classified this variant as a Variant of Uncertain Significance. If you have any questions about the classification please reach out to the Pierce Lab.

Blueprint Genetics
Classification: Likely pathogenic for PDE6B-related disorders. Last evaluated: 2019-12-20. Review status: criteria provided, single submitter. Criteria: ACMG Guidelines, 2015. Collection method: clinical testing. Allele origin: germline. Affected: yes. Observed: 2 variant alleles.

Eurofins Ntd Llc (ga)
Classification: Uncertain significance. Last evaluated: 2017-05-22. Review status: criteria provided, single submitter. Criteria: EGL Classification Definitions 2015. Collection method: clinical testing. Allele origin: germline. Observed: 2 variant alleles, 2 heterozygotes.

Literature cited by the submitters: PubMed 34906470 (cited by Labcorp Genetics (formerly Invitae), Labcorp and Broad Center for Mendelian Genomics, Broad Institute of MIT and Harvard).